The following is an entry in ClinVar:

ClinVar aggregate classification (germline): Uncertain significance (1 of 4 stars; one submission).

Conditions:
Cornelia de Lange syndrome 3 (CDLS3). Also called: SMC3-Related Cornelia de Lange Syndrome; CORNELIA DE LANGE SYNDROME 3 WITH OR WITHOUT MIDLINE BRAIN DEFECTS. Identifiers: Orphanet 199, MedGen C1853099, MONDO:0012555, OMIM 610759.

Submission:

Labcorp Genetics (formerly Invitae), Labcorp
Classification: Uncertain significance for Cornelia de Lange syndrome 3. Last evaluated: 2025-10-03. Review status: criteria provided, single submitter. Criteria: Invitae Variant Classification Sherloc (09022015). Collection method: clinical testing. Allele origin: germline.
Comment: This sequence change replaces glutamine, which is neutral and polar, with arginine, which is basic and polar, at codon 1004 of the SMC3 protein (p.Gln1004Arg). This variant is not present in population databases (gnomAD no frequency). This variant has not been reported in the literature in individuals affected with SMC3-related conditions. Invitae Evidence Modeling of protein sequence and biophysical properties (such as structural, functional, and spatial information, amino acid conservation, physicochemical variation, residue mobility, and thermodynamic stability) indicates that this missense variant is not expected to disrupt SMC3 protein function with a negative predictive value of 95%. In summary, the available evidence is currently insufficient to determine the role of this variant in disease. Therefore, it has been classified as a Variant of Uncertain Significance.

NM_005445.4(SMC3):c.3011A>G (p.Gln1004Arg)

Gene: SMC3 (structural maintenance of chromosomes 3; plus strand). Cytogenetic location: 10q25.2.
Variant type: single nucleotide variant.
Coding change: c.3011A>G on transcript NM_005445.4 (MANE Select); coding-DNA position 3011, A replaced by G.
Protein change: p.Gln1004Arg; replaces glutamine 1004 with arginine.
Molecular consequence: missense variant.
Genome position (GRCh38, 1-based): chr10:110,602,084, A>G. VCF-style: chr10-110602084-A-G. GRCh37 (hg19) VCF-style: chr10-112361842-A-G.
Other names: short protein forms Q1004R.
Identifiers: ClinVar variation 4747141 (VCV004747141.1).